The following is an entry in ClinVar:

NM_014714.4(IFT140):c.3207G>T (p.Glu1069Asp)

Gene: IFT140 (intraflagellar transport 140; minus strand). Cytogenetic location: 16p13.3.
Variant type: single nucleotide variant.
Coding change: c.3207G>T on transcript NM_014714.4 (MANE Select); coding-DNA position 3207, G replaced by T.
Protein change: p.Glu1069Asp; replaces glutamic acid 1069 with aspartic acid.
Molecular consequence: missense variant.
Genome position (GRCh38, 1-based): chr16:1,523,891, C>A on the plus strand (G>T on the coding strand, the complement: IFT140 is on the minus strand). VCF-style: chr16-1523891-C-A. GRCh37 (hg19) VCF-style: chr16-1573892-C-A.
Other names: short protein forms E1069D.
Identifiers: ClinVar variation 2145998 (VCV002145998.3), dbSNP rs2040596118, ClinGen allele CA394225670.
Genomic context (GRCh38, chr16:1,523,891, plus strand): 5'-GTGGTACAGCATGACCGCCCTGTCCATCTGCACGCCCTTCTCCTCGTAGTATCGGGCCGC[C>A]TCGATCATGTCCTCGGGGGAGCTCAGCAGGGCCAAGTTCATGAGCTGGTCGTCCAGGCCG-3'
Protein context (NP_055529.2, residues 1059-1079): ALLSSPEDMI[Glu1069Asp]AARYYEEKGV

ClinVar aggregate classification (germline): Uncertain significance. Review status: criteria provided, multiple submitters, no conflicts (2 of 4 stars). 2 submissions from 2 submitters: Uncertain significance (2). Last evaluated 2025-08-15.

Conditions:
Saldino-Mainzer syndrome (SRTD9). Also called: SHORT-RIB THORACIC DYSPLASIA 9 WITHOUT POLYDACTYLY; Renal dysplasia, retinal pigmentary dystrophy, cerebellar ataxia and skeletal dysplasia; CONORENAL SYNDROME; short-rib thoracic dysplasia 9 with or without polydactyly. Identifiers: Orphanet 140969, MedGen C1849437, MONDO:0009964, OMIM 266920.

Allele frequency attached by ClinVar (database versions not stated): gnomAD exomes below 0.00001.
gnomAD v4.1: 1 of 1,613,538 alleles (0.000062%); highest among the groups gnomAD compares: Non-Finnish European, 0.000085%; no homozygotes.

Submissions (2):

Labcorp Genetics (formerly Invitae), Labcorp
Classification: Uncertain significance for Saldino-Mainzer syndrome. Last evaluated: 2025-08-15. Review status: criteria provided, single submitter. Criteria: Invitae Variant Classification Sherloc (09022015). Collection method: clinical testing. Allele origin: germline.
Comment: This sequence change replaces glutamic acid, which is acidic and polar, with aspartic acid, which is acidic and polar, at codon 1069 of the IFT140 protein (p.Glu1069Asp). This variant is not present in population databases (gnomAD no frequency). This variant has not been reported in the literature in individuals affected with IFT140-related conditions. ClinVar contains an entry for this variant (Variation ID: 2145998). Invitae Evidence Modeling of protein sequence and biophysical properties (such as structural, functional, and spatial information, amino acid conservation, physicochemical variation, residue mobility, and thermodynamic stability) indicates that this missense variant is not expected to disrupt IFT140 protein function with a negative predictive value of 95%. In summary, the available evidence is currently insufficient to determine the role of this variant in disease. Therefore, it has been classified as a Variant of Uncertain Significance.

Blueprint Genetics
Classification: Uncertain significance. Last evaluated: 2022-05-06. Review status: criteria provided, single submitter. Criteria: ACMG Guidelines, 2015. Collection method: clinical testing. Allele origin: germline.